The following is an entry in ClinVar:

NM_133433.4(NIPBL):c.295G>A (p.Val99Ile)

Gene: NIPBL (NIPBL cohesin loading factor; plus strand). Cytogenetic location: 5p13.2.
Variant type: single nucleotide variant.
Coding change: c.295G>A on transcript NM_133433.4 (MANE Select); coding-DNA position 295, G replaced by A.
Protein change: p.Val99Ile; replaces valine 99 with isoleucine.
Molecular consequence: missense variant.
Genome position (GRCh38, 1-based): chr5:36,958,168, G>A. VCF-style: chr5-36958168-G-A. GRCh37 (hg19) VCF-style: chr5-36958270-G-A.
Other names: c.295G>A, p.Val99Ile (NM_015384.5); short protein forms V99I.
Identifiers: ClinVar variation 2045870 (VCV002045870.4), dbSNP rs779888500, ClinGen allele CA3235776.

ClinVar aggregate classification (germline): Uncertain significance (1 of 4 stars; one submission).

Conditions:
Cornelia de Lange syndrome 1 (CDLS1). Also called: NIPBL-Related Cornelia de Lange Syndrome; Brachmann de Lange syndrome; TYPUS DEGENERATIVUS AMSTELODAMENSIS. Identifiers: Orphanet 199, MedGen C4551851, MONDO:0007387, OMIM 122470.

Allele frequency attached by ClinVar (database versions not stated): ExAC 0.00003; TOPMed 0.00004; gnomAD 0.00005.
gnomAD v4.1: 141 of 1,613,770 alleles (0.0087%); highest among the groups gnomAD compares: Non-Finnish European, 0.011%; no homozygotes.

Submission:

Labcorp Genetics (formerly Invitae), Labcorp
Classification: Uncertain significance for Cornelia de Lange syndrome 1. Last evaluated: 2026-01-22. Review status: criteria provided, single submitter. Criteria: Invitae Variant Classification Sherloc (09022015). Collection method: clinical testing. Allele origin: germline.
Comment: This sequence change replaces valine, which is neutral and non-polar, with isoleucine, which is neutral and non-polar, at codon 99 of the NIPBL protein (p.Val99Ile). This variant is present in population databases (rs779888500, gnomAD 0.007%). This variant has not been reported in the literature in individuals affected with NIPBL-related conditions. ClinVar contains an entry for this variant (Variation ID: 2045870). Invitae Evidence Modeling of protein sequence and biophysical properties (such as structural, functional, and spatial information, amino acid conservation, physicochemical variation, residue mobility, and thermodynamic stability) indicates that this missense variant is not expected to disrupt NIPBL protein function with a negative predictive value of 95%. In summary, the available evidence is currently insufficient to determine the role of this variant in disease. Therefore, it has been classified as a Variant of Uncertain Significance.